The following is an entry in ClinVar:

ClinVar aggregate classification (germline): Pathogenic (1 of 4 stars; one submission).

Conditions:
Telangiectasia, hereditary hemorrhagic, type 2 (HHT2). Also called: ACVRL1-Related Hereditary Hemorrhagic Telangiectasia; Telangiectasia, hereditary hemorrhagic, type II. Identifiers: Orphanet 774, MedGen C1838163, MONDO:0010880, OMIM 600376. Disease mechanism: loss of function.

Submission:

Labcorp Genetics (formerly Invitae), Labcorp
Classification: Pathogenic for Telangiectasia, hereditary hemorrhagic, type 2. Last evaluated: 2024-04-17. Review status: criteria provided, single submitter. Criteria: Invitae Variant Classification Sherloc (09022015). Collection method: clinical testing. Allele origin: germline.
Comment: This sequence change replaces glycine, which is neutral and non-polar, with serine, which is neutral and polar, at codon 211 of the ACVRL1 protein (p.Gly211Ser). This variant is not present in population databases (gnomAD no frequency). This missense change has been observed in individuals with clinical features of ACVRL1-related conditions (PMID: 26176610, 29743074). Advanced modeling of protein sequence and biophysical properties (such as structural, functional, and spatial information, amino acid conservation, physicochemical variation, residue mobility, and thermodynamic stability) performed at Invitae indicates that this missense variant is expected to disrupt ACVRL1 protein function with a positive predictive value of 95%. This variant disrupts the p.Gly211 amino acid residue in ACVRL1. Other variant(s) that disrupt this residue have been determined to be pathogenic (PMID: 25970827; Invitae). This suggests that this residue is clinically significant, and that variants that disrupt this residue are likely to be disease-causing. For these reasons, this variant has been classified as Pathogenic.

Literature cited by the submitters: PubMed 26176610; PubMed 29743074; PubMed 25970827.

NM_000020.3(ACVRL1):c.631G>A (p.Gly211Ser)

Gene: ACVRL1 (activin A receptor like type 1; plus strand). Cytogenetic location: 12q13.13.
Variant type: single nucleotide variant.
Coding change: c.631G>A on transcript NM_000020.3 (MANE Select); coding-DNA position 631, G replaced by A.
Protein change: p.Gly211Ser; replaces glycine 211 with serine.
Molecular consequence: missense variant.
Genome position (GRCh38, 1-based): chr12:51,914,444, G>A. VCF-style: chr12-51914444-G-A. GRCh37 (hg19) VCF-style: chr12-52308228-G-A.
Other names: c.631G>A, p.Gly211Ser (NM_001077401.2, NM_001406487.1, NM_001406488.1 and 1 more transcripts); c.319G>A, p.Gly107Ser (NM_001406490.1, NM_001406491.1, NM_001406492.1 and 2 more transcripts); c.67G>A, p.Gly23Ser (NM_001406495.1); short protein forms G107S, G23S, G211S.
Identifiers: ClinVar variation 2735869 (VCV002735869.3), dbSNP rs1940780439, ClinGen allele CA384899955.